The following is an entry in ClinVar:

ClinVar aggregate classification (germline): Likely benign. Review status: criteria provided, multiple submitters, no conflicts (2 of 4 stars). 3 submissions from 3 submitters: Likely benign (3). Last evaluated 2025-10-08.

Conditions:
PROM1-related disorder. Also called: PROM1-related disorders; PROM1-related condition.

Allele frequency attached by ClinVar (database versions not stated): gnomAD exomes 0.00002; 1000 Genomes Project 30x 0.00016; 1000 Genomes Project 0.00020; ExAC 0.00001; TOPMed 0.00001; gnomAD 0.00002.
gnomAD v4.1: 32 of 1,609,490 alleles (0.002%); highest among the groups gnomAD compares: Middle Eastern, 0.033%; no homozygotes.

Submissions (3):

PreventionGenetics, part of Exact Sciences
Classification: Likely benign for PROM1-related condition. Last evaluated: 2025-10-08. Review status: criteria provided, single submitter. Criteria: ACMG Guidelines, 2015. Collection method: clinical testing. Allele origin: germline.
Comment: This variant is classified as likely benign based on ACMG/AMP sequence variant interpretation guidelines (Richards et al. 2015 PMID: 25741868, with internal and published modifications).

Blueprint Genetics
Classification: Likely benign. Last evaluated: 2024-11-06. Review status: criteria provided, single submitter. Criteria: ACMG Guidelines, 2015. Collection method: clinical testing. Allele origin: germline.

Labcorp Genetics (formerly Invitae), Labcorp
Classification: Likely benign. Last evaluated: 2023-11-07. Review status: criteria provided, single submitter. Criteria: Invitae Variant Classification Sherloc (09022015). Collection method: clinical testing. Allele origin: germline.

NM_006017.3(PROM1):c.1638A>G (p.Leu546=)

Gene: PROM1 (prominin 1; minus strand). Cytogenetic location: 4p15.32.
Variant type: single nucleotide variant.
Coding change: c.1638A>G on transcript NM_006017.3 (MANE Select); coding-DNA position 1638, A replaced by G.
Protein change: p.Leu546=; no amino-acid change (leucine 546 retained).
Molecular consequence: synonymous variant.
Genome position (GRCh38, 1-based): chr4:15,998,429, T>C on the plus strand (A>G on the coding strand, the complement: PROM1 is on the minus strand). VCF-style: chr4-15998429-T-C. GRCh37 (hg19) VCF-style: chr4-16000052-T-C.
Other names: c.1611A>G, p.Leu537= (NM_001145847.2, NM_001145848.2, NM_001145851.2 and 4 more transcripts); c.1638A>G, p.Leu546= (NM_001145849.2, NM_001145850.2); c.1638A>G (NM_006017.2).
Identifiers: ClinVar variation 2968307 (VCV002968307.5), dbSNP rs189940219, ClinGen allele CA2866700.